The following is an entry in ClinVar:

NC_000004.11:g.(?_107092232)_(107092447_?)del

Gene: TBCK (TBC1 domain containing kinase; minus strand). Cytogenetic location: 4q24.
Variant type: Deletion.
Identifiers: ClinVar variation 1068725 (VCV001068725.2).

ClinVar aggregate classification (germline): Pathogenic (1 of 4 stars; one submission).

Submission:

Labcorp Genetics (formerly Invitae), Labcorp
Classification: Pathogenic. Last evaluated: 2022-10-13. Review status: criteria provided, single submitter. Criteria: Invitae Variant Classification Sherloc (09022015). Collection method: clinical testing. Allele origin: germline.
Comment: This variant is a gross deletion of the genomic region encompassing exon(s) 23 of the TBCK gene. This deletion is out-of-frame, and is expected to create a premature termination codon and result in an absent or disrupted protein product. Loss-of-function variants in TBCK are known to be pathogenic (PMID: 27040692, 30103036). A similar copy number variant has been observed in individual(s) with clinical features of TBCK-related conditions (PMID: 30898414). For these reasons, this variant has been classified as Pathogenic.

Literature cited by the submitters: PubMed 27040692; PubMed 30103036; PubMed 30898414.